The following is an entry in ClinVar:

NM_031206.7(LAS1L):c.5C>T (p.Ser2Leu)

Gene: LAS1L (LAS1 like ribosome biogenesis factor; minus strand). Cytogenetic location: Xq12.
Variant type: single nucleotide variant.
Coding change: c.5C>T on transcript NM_031206.7 (MANE Select); coding-DNA position 5, C replaced by T.
Protein change: p.Ser2Leu; replaces serine 2 with leucine.
Molecular consequence: missense variant. On other transcripts: 5 prime UTR variant (1), non-coding transcript variant (1).
Genome position (GRCh38, 1-based): chrX:65,534,711, G>A on the plus strand (C>T on the coding strand, the complement: LAS1L is on the minus strand). VCF-style: chrX-65534711-G-A. GRCh37 (hg19) VCF-style: chrX-64754591-G-A.
Other names: c.5C>T, p.Ser2Leu (NM_001170649.2, NM_001170650.2, NM_001375328.1 and 8 more transcripts); c.-792C>T (NM_001375332.1); short protein forms S2L.
Identifiers: ClinVar variation 704102 (VCV000704102.11), dbSNP rs148048579, ClinGen allele CA10434157.

ClinVar aggregate classification (germline): Conflicting classifications of pathogenicity. Review status: criteria provided, conflicting classifications (1 of 4 stars). 3 submissions from 3 submitters: Uncertain significance (1); Likely benign (2). Last evaluated 2026-01-19.

Conditions:
Wilson-Turner syndrome (WTS). Also called: INTELLECTUAL DEVELOPMENTAL DISORDER, X-LINKED, SYNDROMIC, WILSON-TURNER TYPE; MENTAL RETARDATION, X-LINKED, SYNDROMIC 6. Identifiers: Orphanet 3459, MedGen C1839736, MONDO:0010665, OMIM 309585.

Allele frequency attached by ClinVar (database versions not stated): ExAC 0.00053; TOPMed 0.00054; gnomAD 0.00055 and 0.00060; gnomAD exomes 0.00014; 1000 Genomes Project 30x 0.00042; 1000 Genomes Project 0.00053; ESP Exome Variant Server 0.00106.
gnomAD v4.1: 125 of 1,157,426 alleles (0.011%); highest among the groups gnomAD compares: African/African-American, 0.22%; no homozygotes.

Submissions (3):

Labcorp Genetics (formerly Invitae), Labcorp
Classification: Likely benign for Wilson-Turner syndrome. Last evaluated: 2026-01-19. Review status: criteria provided, single submitter. Criteria: Invitae Variant Classification Sherloc (09022015). Collection method: clinical testing. Allele origin: germline.

Dasa
Classification: Likely benign. Last evaluated: 2025-12-31. Review status: criteria provided, single submitter. Criteria: DASA Assertion Criteria. Collection method: clinical testing. Allele origin: germline.
Comment: NM_031206.7(LAS1L):c.5C>T (p.Ser2Leu) is a missense variant that results in the substitution of serine with leucine. Multiple computational predictions suggest no deleterious effect on the gene or gene product. Based on the available data, this variant is classified as likely benign.

Ambry Genetics
Classification: Uncertain significance. Last evaluated: 2021-08-17. Review status: criteria provided, single submitter. Criteria: Ambry Variant Classification Scheme 2023. Collection method: clinical testing. Allele origin: germline.